The following is an entry in ClinVar:

NM_004409.5(DMPK):c.*224CTG[666]

Genes: DM1-AS (DM1 locus antisense RNA; plus strand), DMPK (DM1 protein kinase; minus strand), LOC107075317 (origin of replication in DMPK trinucleotide repeat region; plus strand), LOC109461477 (dystrophia myotonica protein kinase repeat instability region; plus strand). Cytogenetic location: 19q13.32.
Variant type: Microsatellite.
Coding change: c.*224CTG[666] on transcript NM_004409.5 (MANE Select); 666 copies in a row of the 3-base unit CTG starting at c.*224.
Molecular consequence: 3 prime UTR variant.
Genome position: GRCh38, VCF-style position (the base before the change): chr19:45,770,204. GRCh37 (hg19), VCF-style position (the base before the change): chr19:46,273,462.
Other names: DM1 CTG repeat expansion; c.*217CTG[666] (NM_001081562.3, NM_001288765.2, NM_001424162.1 and 2 more transcripts); c.*224CTG[666] (NM_001081560.3, NM_001424169.1, NM_001288764.2 and 1 more transcripts); c.*222_*224TGC[666] (NM_001081563.3); c.*369CTG[666] (NM_001424168.1, NM_001288766.2, NM_001424164.1).
Identifiers: ClinVar variation 188019 (VCV000188019.1), ClinGen allele CA915951848.

ClinVar aggregate classification (germline): Pathogenic (0 of 4 stars; one submission).

Conditions:
Steinert myotonic dystrophy syndrome (DM1). Also called: STEINERT DISEASE; Myotonic dystrophy type 1; Dystrophia myotonica type 1; Steinert myotonic dystrophy; Steinert's disease. Identifiers: Orphanet 273, MedGen C3250443, MONDO:0008056, OMIM 160900.

Submission:

Institute of Molecular, Cell and Systems Biology, University of Glasgow
Classification: Pathogenic for Steinert myotonic dystrophy syndrome. Review status: no assertion criteria provided. Criteria: research. Collection method: research. Allele origin: germline. Inheritance: Autosomal dominant inheritance. Affected: yes. Observed: 1 heterozygote.
Comment: DMPK CTG repeat expansions greater than approximately 45-50 repeats are assumed to be pathogenic

This record is based on data published in PubMed 25052313, which reports only ClinVar accessions SCV000120188 and SCV000120189. The complete data set includes SCV000207445 - SCV000207579.

Literature cited by the submitters: PubMed 1346923; PubMed 1546326; PubMed 25052313.